The following is an entry in ClinVar:

NM_002485.5(NBN):c.1891C>T (p.Leu631=)

Genes: NBN (nibrin; minus strand), LOC126860438 (MED14-independent group 3 enhancer GRCh37_chr8:90959982-90961181; plus strand). Cytogenetic location: 8q21.3.
Variant type: single nucleotide variant.
Coding change: c.1891C>T on transcript NM_002485.5 (MANE Select); coding-DNA position 1891, C replaced by T.
Protein change: p.Leu631=; no amino-acid change (leucine 631 retained).
Molecular consequence: synonymous variant.
Genome position (GRCh38, 1-based): chr8:89,947,847, G>A on the plus strand (C>T on the coding strand, the complement: NBN is on the minus strand). VCF-style: chr8-89947847-G-A. GRCh37 (hg19) VCF-style: chr8-90960075-G-A.
Other names: c.1645C>T, p.Leu549= (NM_001024688.3).
Identifiers: ClinVar variation 1588816 (VCV001588816.11), dbSNP rs1064793477, ClinGen allele CA461839139.

ClinVar aggregate classification (germline): Conflicting classifications of pathogenicity. Review status: criteria provided, conflicting classifications (1 of 4 stars). 2 submissions from 2 submitters: Uncertain significance (1); Likely benign (1). Last evaluated 2022-04-02.

Conditions:
Hereditary cancer-predisposing syndrome. Also called: Hereditary Cancer Syndrome; Tumor predisposition; Neoplastic Syndromes, Hereditary; Hereditary neoplastic syndrome. Identifiers: Orphanet 140162, MedGen C0027672, MeSH D009386, MONDO:0015356.
Microcephaly, normal intelligence and immunodeficiency (NBS). Also called: SEEMANOVA SYNDROME II; IMMUNODEFICIENCY, MICROCEPHALY, AND CHROMOSOMAL INSTABILITY; Nijmegen breakage syndrome; Microcephaly with normal intelligence immunodeficiency and lymphoreticular malignancies; Nonsyndromal microcephaly autosomal recessive with normal intelligence; Seemanova syndrome 2. Identifiers: Orphanet 647, MedGen C0398791, MONDO:0009623, OMIM 251260.

Submissions (2):

Ambry Genetics
Classification: Uncertain significance for Hereditary cancer-predisposing syndrome. Last evaluated: 2022-04-02. Review status: criteria provided, single submitter. Criteria: Ambry Variant Classification Scheme 2023. Collection method: clinical testing. Allele origin: germline.
Comment: The c.1891C>T variant (also known as p.L631L), located in coding exon 12 of the NBN gene, results from a C to T substitution at nucleotide position 1891. This nucleotide substitution does not change the at codon 631. This nucleotide position is not well conserved in available vertebrate species. In silico splice site analysis for this alteration is inconclusive. Since supporting evidence is limited at this time, the clinical significance of this alteration remains unclear.

Labcorp Genetics (formerly Invitae), Labcorp
Classification: Likely benign for Microcephaly, normal intelligence and immunodeficiency. Last evaluated: 2021-07-08. Review status: criteria provided, single submitter. Criteria: Invitae Variant Classification Sherloc (09022015). Collection method: clinical testing. Allele origin: germline.